The following is an entry in ClinVar:

ClinVar aggregate classification (germline): Uncertain significance. Review status: criteria provided, multiple submitters, no conflicts (2 of 4 stars). 2 submissions from 2 submitters: Uncertain significance (2). Last evaluated 2026-09-09.

Conditions:
Adams-Oliver syndrome 5 (AOS5). Identifiers: Orphanet 974, MedGen C4014970, MONDO:0014459, OMIM 616028.

Allele frequency attached by ClinVar (database versions not stated): gnomAD exomes below 0.00001.
gnomAD v4.1: 1 of 1,612,792 alleles (0.000062%); highest among the groups gnomAD compares: Non-Finnish European, 0.000085%; no homozygotes.

Submissions (2):

GeneDx
Classification: Uncertain significance. Last evaluated: 2026-09-09. Review status: criteria provided, single submitter. Criteria: GeneDx Variant Classification Process June 2021. Collection method: clinical testing. Allele origin: germline.
Comment: Reported in a patient with a bicuspid aortic valve (PMID: 16729972); Not observed at significant frequency in large population cohorts (gnomAD); In silico analysis suggests that this missense variant does not alter protein structure/function; This variant is associated with the following publications: (PMID: 16729972)

Labcorp Genetics (formerly Invitae), Labcorp
Classification: Uncertain significance for Adams-Oliver syndrome 5. Last evaluated: 2024-05-31. Review status: criteria provided, single submitter. Criteria: Invitae Variant Classification Sherloc (09022015). Collection method: clinical testing. Allele origin: germline.
Comment: This sequence change replaces methionine, which is neutral and non-polar, with valine, which is neutral and non-polar, at codon 2346 of the NOTCH1 protein (p.Met2346Val). This variant is not present in population databases (gnomAD no frequency). This variant has not been reported in the literature in individuals affected with NOTCH1-related conditions. ClinVar contains an entry for this variant (Variation ID: 2154457). Advanced modeling of protein sequence and biophysical properties (such as structural, functional, and spatial information, amino acid conservation, physicochemical variation, residue mobility, and thermodynamic stability) performed at Invitae indicates that this missense variant is not expected to disrupt NOTCH1 protein function with a negative predictive value of 80%. In summary, the available evidence is currently insufficient to determine the role of this variant in disease. Therefore, it has been classified as a Variant of Uncertain Significance.

NM_017617.5(NOTCH1):c.7036A>G (p.Met2346Val)

Gene: NOTCH1 (notch receptor 1; minus strand). Cytogenetic location: 9q34.3.
Variant type: single nucleotide variant.
Coding change: c.7036A>G on transcript NM_017617.5 (MANE Select); coding-DNA position 7036, A replaced by G.
Protein change: p.Met2346Val; replaces methionine 2346 with valine.
Molecular consequence: missense variant.
Genome position (GRCh38, 1-based): chr9:136,496,703, T>C on the plus strand (A>G on the coding strand, the complement: NOTCH1 is on the minus strand). VCF-style: chr9-136496703-T-C. GRCh37 (hg19) VCF-style: chr9-139391155-T-C.
Other names: c.7036A>G (NM_017617.3); short protein forms M2346V.
Identifiers: ClinVar variation 2154457 (VCV002154457.6), dbSNP rs1471422073, ClinGen allele CA375629158.